The following is an entry in ClinVar:

ClinVar aggregate classification (germline): Benign/Likely benign. Review status: criteria provided, multiple submitters, no conflicts (2 of 4 stars). 3 submissions from 3 submitters: Benign (1); Likely benign (2). Last evaluated 2026-07-13.

Conditions:
Rhabdoid tumor predisposition syndrome 2 (RTPS2). Identifiers: Orphanet 231108, Orphanet 69077, MedGen C2750074, MONDO:0013224, OMIM 613325.
Hereditary cancer-predisposing syndrome. Also called: Hereditary Cancer Syndrome; Hereditary neoplastic syndrome; Neoplastic Syndromes, Hereditary; Tumor predisposition. Identifiers: Orphanet 140162, MedGen C0027672, MeSH D009386, MONDO:0015356.

Allele frequency attached by ClinVar (database versions not stated): ExAC 0.00001; TOPMed 0.00002; gnomAD 0.00001; gnomAD exomes 0.00001 and 0.00002; ESP Exome Variant Server 0.00008.

Submissions (3):

Myriad Genetics, Inc.
Classification: Benign for Rhabdoid tumor predisposition syndrome 2. Last evaluated: 2026-07-13. Review status: criteria provided, single submitter. Criteria: Myriad Autosomal Dominant, Autosomal Recessive and X-Linked Classification Criteria (2023). Collection method: clinical testing. Allele origin: unknown.
Comment: This variant is considered benign. This variant is a silent/synonymous amino acid change and it is not expected to impact splicing.

Labcorp Genetics (formerly Invitae), Labcorp
Classification: Likely benign for Rhabdoid tumor predisposition syndrome 2. Last evaluated: 2025-11-20. Review status: criteria provided, single submitter. Criteria: Invitae Variant Classification Sherloc (09022015). Collection method: clinical testing. Allele origin: germline.

Ambry Genetics
Classification: Likely benign for Hereditary cancer-predisposing syndrome. Last evaluated: 2018-10-04. Review status: criteria provided, single submitter. Criteria: Ambry Variant Classification Scheme 2023. Collection method: clinical testing. Allele origin: germline.

NM_003072.5(SMARCA4):c.2463G>A (p.Glu821=)

Gene: SMARCA4 (SWI/SNF related BAF chromatin remodeling complex subunit ATPase 4; plus strand). Cytogenetic location: 19p13.2.
Variant type: single nucleotide variant.
Coding change: c.2463G>A on transcript NM_003072.5 (MANE Select); coding-DNA position 2463, G replaced by A.
Protein change: p.Glu821=; no amino-acid change (glutamic acid 821 retained).
Molecular consequence: synonymous variant. On other transcripts: non-coding transcript variant (1).
Genome position (GRCh38, 1-based): chr19:11,018,981, G>A. VCF-style: chr19-11018981-G-A. GRCh37 (hg19) VCF-style: chr19-11129657-G-A.
Other names: c.2463G>A, p.Glu821= (NM_001128844.3, NM_001128845.2, NM_001128846.2 and 5 more transcripts).
Identifiers: ClinVar variation 470309 (VCV000470309.17), dbSNP rs375459615, ClinGen allele CA9204128.